The following is an entry in ClinVar:

ClinVar aggregate classification (germline): Pathogenic/Likely pathogenic. Review status: criteria provided, multiple submitters, no conflicts (2 of 4 stars). 4 submissions from 4 submitters: Pathogenic (1); Likely pathogenic (2). 1 of the submissions does not count toward it. Last evaluated 2025-08-11.

Conditions:
Congenital adrenal hyperplasia. Identifiers: Orphanet 418, MedGen C0001627, MONDO:0018479, HP:0008258.
Deficiency of steroid 17-alpha-monooxygenase. Also called: Congenital adrenal hyperplasia due to 17-alpha-hydroxylase deficiency; Congenital adrenal hyperplasia type 5; 17-ALPHA-HYDROXYLASE DEFICIENCY; 17-alpha-hydroxylase/17,20-lyase deficiency; ADRENAL HYPERPLASIA V. Identifiers: Orphanet 90793, MedGen C0268285, MONDO:0008730, OMIM 202110.
17,20-lyase deficiency, isolated. Identifiers: MedGen C3277849, MONDO:0800378.

Allele frequency attached by ClinVar (database versions not stated): gnomAD exomes 0.00001 and 0.00002; gnomAD 0.00001; ExAC 0.00002.

Submissions (4):

Natera, Inc.
Classification: Likely pathogenic for Deficiency of steroid 17-alpha-monooxygenase. Last evaluated: 2025-08-11. Review status: criteria provided, single submitter. Criteria: Natera Variant Classification Schema (03/2026). Collection method: clinical testing. Allele origin: germline.
Comment: The c.1073G>A variant in CYP17A1 is a missense variant predicted to cause substitution of arginine to glutamine at amino acid 358. This variant is rare in the general population with a frequency below the threshold expected for the associated phenotype(s). This variant has been observed in one or more individuals affected with the associated recessive disease, as either homozygous or compound heterozygous with a second variant (PMID: 9326943, 31801776, 35134971). This variant has been identified in one or more affected individual with a phenotype highly consistent with the associated gene (PMID: 9326943, 31801776, 35134971). Computational prediction algorithms indicate this variant is likely to affect gene or protein function. Given the available evidence, this variant is classified as Likely Pathogenic.

Labcorp Genetics (formerly Invitae), Labcorp
Classification: Pathogenic. Last evaluated: 2024-04-09. Review status: criteria provided, single submitter. Criteria: Invitae Variant Classification Sherloc (09022015). Collection method: clinical testing. Allele origin: germline.
Comment: This sequence change replaces arginine, which is basic and polar, with glutamine, which is neutral and polar, at codon 358 of the CYP17A1 protein (p.Arg358Gln). This variant is present in population databases (rs104894139, gnomAD 0.004%). This missense change has been observed in individual(s) with congenital adrenal hyperplasia (PMID: 9326943, 21966534). In at least one individual the data is consistent with being in trans (on the opposite chromosome) from a pathogenic variant. ClinVar contains an entry for this variant (Variation ID: 1788). An algorithm developed to predict the effect of missense changes on protein structure and function (PolyPhen-2) suggests that this variant is likely to be disruptive. Experimental studies have shown that this missense change affects CYP17A1 function (PMID: 9326943, 9892022, 10455016, 11549685). For these reasons, this variant has been classified as Pathogenic.

Women's Health and Genetics/Laboratory Corporation of America, LabCorp
Classification: Likely pathogenic for Congenital adrenal hyperplasia. Last evaluated: 2021-12-01. Review status: criteria provided, single submitter. Criteria: LabCorp Variant Classification Summary - May 2015. Collection method: clinical testing. Allele origin: germline.
Comment: Variant summary: CYP17A1 c.1073G>A (p.Arg358Gln) results in a conservative amino acid change in the encoded protein sequence. Three of five in-silico tools predict a benign effect of the variant on protein function. The variant allele was found at a frequency of 1.6e-05 in 251304 control chromosomes. c.1073G>A has been reported in the literature in at least one individual affected with Congenital Adrenal Hyperplasia in homozygous state (Geller_1997). These data indicate that the variant may be associated with disease. At least one publication reports experimental evidence evaluating an impact on protein function. The most pronounced variant effect results in <10% of normal activity (Geller_1997, Lee-Robichaud_1998, Gupta_2001). No clinical diagnostic laboratories have submitted clinical-significance assessments for this variant to ClinVar after 2014. Based on the evidence outlined above, the variant was classified as likely pathogenic.

OMIM
Classification: Pathogenic for 17,20-LYASE DEFICIENCY, ISOLATED. Last evaluated: 1997-10-01. Review status: no assertion criteria provided. Collection method: literature only. Allele origin: germline. Not counted in ClinVar's aggregate classification.

Literature cited by the submitters: PubMed 9326943 (cited by 4 submitters); PubMed 31801776 (cited by Natera, Inc.); PubMed 35134971 (cited by Natera, Inc.); PubMed 21966534 (cited by Labcorp Genetics (formerly Invitae), Labcorp); PubMed 9892022 (cited by Labcorp Genetics (formerly Invitae), Labcorp); PubMed 10455016 (cited by Labcorp Genetics (formerly Invitae), Labcorp); PubMed 11549685 (cited by Labcorp Genetics (formerly Invitae), Labcorp and Women's Health and Genetics/Laboratory Corporation of America, LabCorp); PubMed 9601054 (cited by Women's Health and Genetics/Laboratory Corporation of America, LabCorp).

NM_000102.4(CYP17A1):c.1073G>A (p.Arg358Gln)

Gene: CYP17A1 (cytochrome P450 family 17 subfamily A member 1; minus strand). Cytogenetic location: 10q24.32.
Variant type: single nucleotide variant.
Coding change: c.1073G>A on transcript NM_000102.4 (MANE Select); coding-DNA position 1073, G replaced by A.
Protein change: p.Arg358Gln; replaces arginine 358 with glutamine.
Molecular consequence: missense variant.
Genome position (GRCh38, 1-based): chr10:102,832,577, C>T on the plus strand (G>A on the coding strand, the complement: CYP17A1 is on the minus strand). VCF-style: chr10-102832577-C-T. GRCh37 (hg19) VCF-style: chr10-104592334-C-T.
Other names: short protein forms R358Q.
Identifiers: ClinVar variation 1788 (VCV000001788.13), dbSNP rs104894139, ClinGen allele CA115185.
Genomic context (GRCh38, chr10:102,832,577, plus strand): 5'-TCAACGTTGGCCTTGTGGGGGATGAGCATAGGGGCCACGGGCCTGAGGCGAAGCACCTCT[C>T]GGATGGTGGCCTCCAGCAGGAGGAGACGGTTACGGTCACTGATAGTTGGTGTGCGGCTGA-3'
Protein context (NP_000093.1, residues 348-368): NRLLLLEATI[Arg358Gln]EVLRLRPVAP